The following is an entry in ClinVar:

ClinVar aggregate classification (germline): Benign. Review status: criteria provided, multiple submitters, no conflicts (2 of 4 stars). 5 submissions from 5 submitters: Benign (5). Last evaluated 2025-12-23.

Conditions:
Alzheimer disease. Also called: Presenile and senile dementia; Alzheimer's disease. Identifiers: Orphanet 1020, MedGen C0002395, MeSH D000544, MONDO:0004975, HP:0002511.

Allele frequency attached by ClinVar (database versions not stated): 1000 Genomes Project 0.00160; gnomAD 0.00160 and 0.00176; 1000 Genomes Project 30x 0.00187; TOPMed 0.00195.
gnomAD v4.1: 468 of 1,613,758 alleles (0.029%); highest among the groups gnomAD compares: African/African-American, 0.54%; no homozygotes.

Submissions (5):

Labcorp Genetics (formerly Invitae), Labcorp
Classification: Benign for Alzheimer disease. Last evaluated: 2025-12-23. Review status: criteria provided, single submitter. Criteria: Invitae Variant Classification Sherloc (09022015). Collection method: clinical testing. Allele origin: germline.

Mayo Clinic Laboratories, Mayo Clinic
Classification: Benign. Last evaluated: 2024-12-10. Review status: criteria provided, single submitter. Criteria: ACMG Guidelines, 2015. Collection method: clinical testing. Allele origin: germline. Observed: 1 variant allele.
Comment: BS1, BS2, BP4

Athena Diagnostics
Classification: Benign. Last evaluated: 2024-05-17. Review status: criteria provided, single submitter. Criteria: Athena Diagnostics Criteria. Collection method: clinical testing. Allele origin: unknown.

GeneDx
Classification: Benign. Last evaluated: 2020-07-24. Review status: criteria provided, single submitter. Criteria: GeneDx Variant Classification Process June 2021. Collection method: clinical testing. Allele origin: germline. Affected: yes.
Comment: This variant is associated with the following publications: (PMID: 31011484, 25617006, 28106563)

Breakthrough Genomics
Classification: Benign. Review status: criteria provided, single submitter. Criteria: ACMG Guidelines, 2015. Collection method: not provided. Allele origin: germline. Inheritance: Autosomal dominant inheritance. Affected: yes.

Literature cited by the submitters: PubMed 25617006 (cited by Mayo Clinic Laboratories, Mayo Clinic); PubMed 28106563 (cited by Mayo Clinic Laboratories, Mayo Clinic and Athena Diagnostics); PubMed 38184787 (cited by Mayo Clinic Laboratories, Mayo Clinic and Athena Diagnostics); PubMed 31011484 (cited by Athena Diagnostics).

NM_000484.4(APP):c.826A>T (p.Thr276Ser)

Gene: APP (amyloid beta precursor protein; minus strand). Cytogenetic location: 21q21.3.
Variant type: single nucleotide variant.
Coding change: c.826A>T on transcript NM_000484.4 (MANE Select); coding-DNA position 826, A replaced by T.
Protein change: p.Thr276Ser; replaces threonine 276 with serine.
Molecular consequence: missense variant.
Genome position (GRCh38, 1-based): chr21:26,021,879, T>A on the plus strand (A>T on the coding strand, the complement: APP is on the minus strand). VCF-style: chr21-26021879-T-A. GRCh37 (hg19) VCF-style: chr21-27394195-T-A.
Other names: p.Thr276Ser; c.811A>T, p.Thr271Ser (NM_001136016.3); c.658A>T, p.Thr220Ser (NM_001136129.3, NM_001136130.3); c.721A>T, p.Thr241Ser (NM_001136131.3); c.826A>T, p.Thr276Ser (NM_001204301.2, NM_001204302.2, NM_001204303.2 and 3 more transcripts); short protein forms T241S, T220S, T271S, T276S.
Identifiers: ClinVar variation 704999 (VCV000704999.16), dbSNP rs202198008, ClinGen allele CA9987556.
Genomic context (GRCh38, chr21:26,021,879, plus strand): 5'-TCCAAGCAAATGGTGGATTACCTCGAACCACCTCTTCCACAGACTCTGTGGTGGTGGTGG[T>A]GGTGGTGGCAATGCTGGTGGTTCTCTCTGTGGCTTCTTCGTAGGGTTCCTCAGCCTCTTC-3'
Protein context (NP_000475.1, residues 266-286): TERTTSIATT[Thr276Ser]TTTTESVEEV